The following is an entry in ClinVar:

ClinVar aggregate classification (germline): Pathogenic (1 of 4 stars; one submission).

Conditions:
Ehlers-Danlos syndrome, dermatosparaxis type. Also called: Dermatosparaxis; EDS VIIC; Ehlers-Danlos syndrome, type VII, autosomal recessive. Identifiers: Orphanet 1901, MedGen C2700425, MONDO:0009161, OMIM 225410.

Allele frequency attached by ClinVar (database versions not stated): gnomAD exomes below 0.00001.

Submission:

Labcorp Genetics (formerly Invitae), Labcorp
Classification: Pathogenic for Ehlers-Danlos syndrome, dermatosparaxis type. Last evaluated: 2023-03-27. Review status: criteria provided, single submitter. Criteria: Invitae Variant Classification Sherloc (09022015). Collection method: clinical testing. Allele origin: germline.
Comment: This variant is not present in population databases (gnomAD no frequency). For these reasons, this variant has been classified as Pathogenic. This variant has not been reported in the literature in individuals affected with ADAMTS2-related conditions. This sequence change creates a premature translational stop signal (p.Tyr157Cysfs*44) in the ADAMTS2 gene. It is expected to result in an absent or disrupted protein product. Loss-of-function variants in ADAMTS2 are known to be pathogenic (PMID: 10417273).

Literature cited by the submitters: PubMed 10417273.

NM_014244.5(ADAMTS2):c.470_480del (p.Tyr157fs)

Gene: ADAMTS2 (ADAM metallopeptidase with thrombospondin type 1 motif 2; minus strand). Cytogenetic location: 5q35.3.
Variant type: Deletion.
Coding change: c.470_480del on transcript NM_014244.5 (MANE Select); coding-DNA positions 470 to 480, 11 bases deleted (ACGTCGGAGAC).
Protein change: p.Tyr157fs; shifts the reading frame from tyrosine 157.
Molecular consequence: frameshift variant.
Genome position (GRCh38, 1-based): chr5:179,343,821-179,343,831, GTCTCCGACGT deleted on the plus strand (ACGTCGGAGAC on the coding strand, the reverse complement: ADAMTS2 is on the minus strand). VCF-style (leftmost placement, unchanged base first): chr5-179343820-CGTCTCCGACGT-C. GRCh37 (hg19) VCF-style: chr5-178770821-CGTCTCCGACGT-C.
Other names: c.470_480del, p.Tyr157fs (NM_021599.4); short protein forms Y157fs.
Identifiers: ClinVar variation 2850230 (VCV002850230.3), dbSNP rs2532189765, ClinGen allele CA2676862973.
Genomic context (GRCh38, chr5:179,343,820, plus strand): 5'-TACTCACCAGCCCATCGCAGTTGCTGAGCGCCACAGAGGAGGCTTCGGCTAGGCCGGCCA[CGTCTCCGACGT>C]AGAGACAGCTCCCGAGCAGGGGCTCCACGCGGGTGGTGCCCTTCTCGCCCTGCCACTCCA-3'